The following is an entry in ClinVar:

NM_000719.7(CACNA1C):c.6029G>T (p.Arg2010Ile)

Genes: CACNA1C (calcium voltage-gated channel subunit alpha1 C; plus strand), CACNA1C-AS1 (CACNA1C antisense RNA 1; minus strand). Cytogenetic location: 12p13.33.
Variant type: single nucleotide variant.
Coding change: c.6029G>T on transcript NM_000719.7 (MANE Select); coding-DNA position 6029, G replaced by T.
Protein change: p.Arg2010Ile; replaces arginine 2010 with isoleucine.
Molecular consequence: missense variant.
Genome position (GRCh38, 1-based): chr12:2,688,691, G>T. VCF-style: chr12-2688691-G-T. GRCh37 (hg19) VCF-style: chr12-2797857-G-T.
Other names: c.6173G>T, p.Arg2058Ile (NM_001129827.2); c.6152G>T, p.Arg2051Ile (NM_001129829.2); c.6134G>T, p.Arg2045Ile (NM_001129830.3, NM_001167624.3); c.6113G>T, p.Arg2038Ile (NM_001129831.2); c.6089G>T, p.Arg2030Ile (NM_001129832.2); c.6086G>T, p.Arg2029Ile (NM_001129833.2, NM_001129834.2, NM_001129835.2); c.6080G>T, p.Arg2027Ile (NM_001129836.2); c.6053G>T, p.Arg2018Ile (NM_001129837.2, NM_001129838.2); and 6 more; short protein forms R1999I, R2027I, R2029I, R2058I, R2007I, R2038I, R2010I, R2016I.
Identifiers: ClinVar variation 1751157 (VCV001751157.8), dbSNP rs754647829, ClinGen allele CA6390056.
Genomic context (GRCh38, chr12:2,688,691, plus strand): 5'-TCCACTGCGGCTCCTGGGCTGAGACCACCCCCGGTGGCGGGGGCAGCAGCGCCGCCCGGA[G>T]AGTCCGGCCCGTCTCCCTCATGGTGCCCAGCCAGGCTGGGGCCCCAGGGAGGCAGTTCCA-3'
Protein context (NP_000710.5, residues 2000-2020): PGGGGSSAAR[Arg2010Ile]VRPVSLMVPS

ClinVar aggregate classification (germline): Conflicting classifications of pathogenicity. Review status: criteria provided, conflicting classifications (1 of 4 stars). 2 submissions from 2 submitters: Uncertain significance (1); Likely benign (1). Last evaluated 2025-12-29.

Conditions:
Long QT syndrome (LQTS). Identifiers: MedGen C0023976, MeSH D008133, MONDO:0002442. Disease mechanism: loss of function. Inheritance: Various modes of inheritance.
Cardiovascular phenotype. Identifiers: MedGen CN230736.

Allele frequency attached by ClinVar (database versions not stated): gnomAD 0.00001; gnomAD exomes 0.00001; TOPMed 0.00001; ExAC 0.00002.
gnomAD v4.1: 9 of 1,612,496 alleles (0.00056%); highest among the groups gnomAD compares: African/African-American, 0.0093%; no homozygotes.

Submissions (2):

Labcorp Genetics (formerly Invitae), Labcorp
Classification: Likely benign for Long QT syndrome. Last evaluated: 2025-12-29. Review status: criteria provided, single submitter. Criteria: Invitae Variant Classification Sherloc (09022015). Collection method: clinical testing. Allele origin: germline.

Ambry Genetics
Classification: Uncertain significance for Cardiovascular phenotype. Last evaluated: 2025-03-12. Review status: criteria provided, single submitter. Criteria: Ambry Variant Classification Scheme 2023. Collection method: clinical testing. Allele origin: germline.
Comment: The p.R2010I variant (also known as c.6029G>T), located in coding exon 46 of the CACNA1C gene, results from a G to T substitution at nucleotide position 6029. The arginine at codon 2010 is replaced by isoleucine, an amino acid with similar properties. According to data from gnomAD, the frequency for this variant is above the maximum credible frequency for a cardiac disease-causing variant in this gene based on internally established thresholds (Karczewski et al. Nature. 2020 May;581(7809):434-443; Whiffin et al. Genet Med. 2017 10;19:1151-1158). This amino acid position is not well conserved in available vertebrate species. In addition, this alteration is predicted to be tolerated by in silico analysis. Based on the supporting evidence, the association of this alteration with CACNA1C-related neurodevelopmental disorder is unknown; however, the association with CACNA1C-related Timothy syndrome or long QT syndrome is unlikely.